The following is an entry in ClinVar:

NM_004820.5(CYP7B1):c.24C>T (p.Ala8=)

Genes: CYP7B1 (cytochrome P450 family 7 subfamily B member 1; minus strand), LOC130000507 (ATAC-STARR-seq lymphoblastoid silent region 19243; plus strand). Cytogenetic location: 8q12.3.
Variant type: single nucleotide variant.
Coding change: c.24C>T on transcript NM_004820.5 (MANE Select); coding-DNA position 24, C replaced by T.
Protein change: p.Ala8=; no amino-acid change (alanine 8 retained).
Molecular consequence: synonymous variant.
Genome position (GRCh38, 1-based): chr8:64,798,564, G>A on the plus strand (C>T on the coding strand, the complement: CYP7B1 is on the minus strand). VCF-style: chr8-64798564-G-A. GRCh37 (hg19) VCF-style: chr8-65711121-G-A.
Other names: c.24C>T, p.Ala8= (NM_001324112.2); c.24C>T (NM_004820.4).
Identifiers: ClinVar variation 2767995 (VCV002767995.6), dbSNP rs948792404, ClinGen allele CA179061880.

ClinVar aggregate classification (germline): Likely benign. Review status: criteria provided, multiple submitters, no conflicts (2 of 4 stars). 3 submissions from 3 submitters: Likely benign (2). 1 of the submissions does not count toward it. Last evaluated 2026-01-06.

Conditions:
Spastic paraplegia. Identifiers: MedGen C0037772, HP:0001258.
CYP7B1-related disorder. Also called: CYP7B1-related condition.

Allele frequency attached by ClinVar (database versions not stated): gnomAD exomes below 0.00001; TOPMed below 0.00001.
gnomAD v4.1: 5 of 1,489,898 alleles (0.00034%); highest among the groups gnomAD compares: East Asian, 0.0056%; no homozygotes.

Submissions (3):

Labcorp Genetics (formerly Invitae), Labcorp
Classification: Likely benign for Spastic paraplegia. Last evaluated: 2026-01-06. Review status: criteria provided, single submitter. Criteria: Invitae Variant Classification Sherloc (09022015). Collection method: clinical testing. Allele origin: germline.

Blueprint Genetics
Classification: Likely benign. Last evaluated: 2024-05-28. Review status: criteria provided, single submitter. Criteria: ACMG Guidelines, 2015. Collection method: clinical testing. Allele origin: germline.

PreventionGenetics, part of Exact Sciences
Classification: Likely benign for CYP7B1-related condition. Last evaluated: 2019-03-22. Review status: no assertion criteria provided. Collection method: clinical testing. Allele origin: germline. Not counted in ClinVar's aggregate classification.
Comment: This variant is classified as likely benign based on ACMG/AMP sequence variant interpretation guidelines (Richards et al. 2015 PMID: 25741868, with internal and published modifications).